The following is an entry in ClinVar:

NM_022841.7(RFX7):c.524G>T (p.Cys175Phe)

Gene: RFX7 (regulatory factor X7; minus strand). Cytogenetic location: 15q21.3.
Variant type: single nucleotide variant.
Coding change: c.524G>T on transcript NM_022841.7 (MANE Select); coding-DNA position 524, G replaced by T.
Protein change: p.Cys175Phe; replaces cysteine 175 with phenylalanine.
Molecular consequence: missense variant.
Genome position (GRCh38, 1-based): chr15:56,102,248, C>A on the plus strand (G>T on the coding strand, the complement: RFX7 is on the minus strand). VCF-style: chr15-56102248-C-A. GRCh37 (hg19) VCF-style: chr15-56394446-C-A.
Other names: c.233G>T, p.Cys78Phe (NM_001368073.2, NM_001368074.1, NM_001370554.1); c.524G>T, p.Cys175Phe (NM_001370561.1); short protein forms C175F, C78F.
Identifiers: ClinVar variation 3897448 (VCV003897448.1).

ClinVar aggregate classification (germline): Uncertain significance (1 of 4 stars; one submission).

Submission:

GeneDx
Classification: Uncertain significance. Last evaluated: 2024-10-29. Review status: criteria provided, single submitter. Criteria: GeneDx Variant Classification Process June 2021. Collection method: clinical testing. Allele origin: germline. Affected: yes.
Comment: Not observed at significant frequency in large population cohorts (gnomAD); In silico analysis supports that this missense variant has a deleterious effect on protein structure/function; Has not been previously published as pathogenic or benign to our knowledge; In silico analysis suggests this variant may impact gene splicing. In the absence of RNA/functional studies, the actual effect of this sequence change is unknown.